The following is an entry in ClinVar:

NM_144687.4(NLRP12):c.1037C>A (p.Ala346Asp)

Gene: NLRP12 (NLR family pyrin domain containing 12; minus strand). Cytogenetic location: 19q13.42.
Variant type: single nucleotide variant.
Coding change: c.1037C>A on transcript NM_144687.4 (MANE Select); coding-DNA position 1037, C replaced by A.
Protein change: p.Ala346Asp; replaces alanine 346 with aspartic acid.
Molecular consequence: missense variant.
Genome position (GRCh38, 1-based): chr19:53,810,622, G>T on the plus strand (C>A on the coding strand, the complement: NLRP12 is on the minus strand). VCF-style: chr19-53810622-G-T. GRCh37 (hg19) VCF-style: chr19-54313876-G-T.
Other names: c.1037C>A, p.Ala346Asp (NM_001277126.2, NM_001277129.1); short protein forms A346D.
Identifiers: ClinVar variation 4079437 (VCV004079437.2).

ClinVar aggregate classification (germline): Uncertain significance. Review status: criteria provided, multiple submitters, no conflicts (2 of 4 stars). 2 submissions from 2 submitters: Uncertain significance (2). Last evaluated 2025-10-18.

Conditions:
Familial cold autoinflammatory syndrome 2 (FCAS2). Identifiers: Orphanet 247868, MedGen C2673198, MONDO:0012724, OMIM 611762.

gnomAD v4.1: 3 of 1,614,082 alleles (0.00019%); highest among the groups gnomAD compares: Middle Eastern, 0.033%; no homozygotes.

Submissions (2):

Labcorp Genetics (formerly Invitae), Labcorp
Classification: Uncertain significance for Familial cold autoinflammatory syndrome 2. Last evaluated: 2025-10-18. Review status: criteria provided, single submitter. Criteria: Invitae Variant Classification Sherloc (09022015). Collection method: clinical testing. Allele origin: germline.
Comment: This sequence change replaces alanine, which is neutral and non-polar, with aspartic acid, which is acidic and polar, at codon 346 of the NLRP12 protein (p.Ala346Asp). This variant is not present in population databases (gnomAD no frequency). This variant has not been reported in the literature in individuals affected with NLRP12-related conditions. ClinVar contains an entry for this variant (Variation ID: 4079437). Invitae Evidence Modeling of protein sequence and biophysical properties (such as structural, functional, and spatial information, amino acid conservation, physicochemical variation, residue mobility, and thermodynamic stability) indicates that this missense variant is expected to disrupt NLRP12 protein function with a positive predictive value of 80%. In summary, the available evidence is currently insufficient to determine the role of this variant in disease. Therefore, it has been classified as a Variant of Uncertain Significance.

Revvity Omics, Revvity
Classification: Uncertain significance for Familial cold autoinflammatory syndrome 2. Last evaluated: 2024-09-24. Review status: criteria provided, single submitter. Criteria: ACMG Guidelines, 2015. Collection method: clinical testing. Allele origin: germline.